The following is an entry in ClinVar:

ClinVar aggregate classification (germline): Uncertain significance (1 of 4 stars; one submission).

gnomAD v4.1: 6 of 1,614,090 alleles (0.00037%); highest among the groups gnomAD compares: African/African-American, 0.008%; no homozygotes.

Submission:

Labcorp Genetics (formerly Invitae), Labcorp
Classification: Uncertain significance. Last evaluated: 2025-08-04. Review status: criteria provided, single submitter. Criteria: Invitae Variant Classification Sherloc (09022015). Collection method: clinical testing. Allele origin: germline.
Comment: This sequence change replaces isoleucine, which is neutral and non-polar, with valine, which is neutral and non-polar, at codon 247 of the SPTB protein (p.Ile247Val). This variant is present in population databases (rs147062348, gnomAD 0.01%). This variant has not been reported in the literature in individuals affected with SPTB-related conditions. An algorithm developed to predict the effect of missense changes on protein structure and function (PolyPhen-2) suggests that this variant is likely to be tolerated. In summary, the available evidence is currently insufficient to determine the role of this variant in disease. Therefore, it has been classified as a Variant of Uncertain Significance.

NM_001355436.2(SPTB):c.739A>G (p.Ile247Val)

Gene: SPTB (spectrin beta, erythrocytic; minus strand). Cytogenetic location: 14q23.3.
Variant type: single nucleotide variant.
Coding change: c.739A>G on transcript NM_001355436.2 (MANE Select); coding-DNA position 739, A replaced by G.
Protein change: p.Ile247Val; replaces isoleucine 247 with valine.
Molecular consequence: missense variant.
Genome position (GRCh38, 1-based): chr14:64,801,309, T>C on the plus strand (A>G on the coding strand, the complement: SPTB is on the minus strand). VCF-style: chr14-64801309-T-C. GRCh37 (hg19) VCF-style: chr14-65268027-T-C.
Other names: c.739A>G, p.Ile247Val (NM_001024858.4, NM_001355437.2); short protein forms I247V.
Identifiers: ClinVar variation 4749812 (VCV004749812.1).